The following is an entry in ClinVar:

ClinVar aggregate classification (germline): Uncertain significance (1 of 4 stars; one submission).

Allele frequency attached by ClinVar (database versions not stated): gnomAD exomes below 0.00001.
gnomAD v4.1: 1 of 1,614,138 alleles (0.000062%); highest among the groups gnomAD compares: Non-Finnish European, 0.000085%; no homozygotes.

Submission:

Labcorp Genetics (formerly Invitae), Labcorp
Classification: Uncertain significance. Last evaluated: 2024-01-09. Review status: criteria provided, single submitter. Criteria: Invitae Variant Classification Sherloc (09022015). Collection method: clinical testing. Allele origin: germline.
Comment: This sequence change replaces isoleucine, which is neutral and non-polar, with asparagine, which is neutral and polar, at codon 266 of the ACVR1 protein (p.Ile266Asn). This variant is not present in population databases (gnomAD no frequency). This variant has not been reported in the literature in individuals affected with ACVR1-related conditions. An algorithm developed to predict the effect of missense changes on protein structure and function (PolyPhen-2) suggests that this variant is likely to be disruptive. In summary, the available evidence is currently insufficient to determine the role of this variant in disease. Therefore, it has been classified as a Variant of Uncertain Significance.

NM_001111067.4(ACVR1):c.797T>A (p.Ile266Asn)

Gene: ACVR1 (activin A receptor type 1; minus strand). Cytogenetic location: 2q24.1.
Variant type: single nucleotide variant.
Coding change: c.797T>A on transcript NM_001111067.4 (MANE Select); coding-DNA position 797, T replaced by A.
Protein change: p.Ile266Asn; replaces isoleucine 266 with asparagine.
Molecular consequence: missense variant.
Genome position (GRCh38, 1-based): chr2:157,766,190, A>T on the plus strand (T>A on the coding strand, the complement: ACVR1 is on the minus strand). VCF-style: chr2-157766190-A-T. GRCh37 (hg19) VCF-style: chr2-158622702-A-T.
Other names: c.797T>A, p.Ile266Asn (NM_001105.5, NM_001347663.1, NM_001347664.1 and 3 more transcripts); short protein forms I266N.
Identifiers: ClinVar variation 2706550 (VCV002706550.3), dbSNP rs2467933127, ClinGen allele CA349190481.
Genomic context (GRCh38, chr2:157,766,190, plus strand): 5'-TGATAATGTGTAATTAACCACAGCTGGGTACTGGAGTGTCTTGATGTCATGTCTGAAGCA[A>T]TGAAACCTGGAGAGAGCAAGAAAAAAATTAATATACATGAGGATTCCACATTATAACTTA-3'
Protein context (NP_001104537.1, residues 256-276): MLRHENILGF[Ile266Asn]ASDMTSRHSS